The following is an entry in ClinVar:

NM_005359.6(SMAD4):c.375T>G (p.Ser125Arg)

Gene: SMAD4 (SMAD family member 4; plus strand). Cytogenetic location: 18q21.2.
Variant type: single nucleotide variant.
Coding change: c.375T>G on transcript NM_005359.6 (MANE Select); coding-DNA position 375, T replaced by G.
Protein change: p.Ser125Arg; replaces serine 125 with arginine.
Molecular consequence: missense variant.
Genome position (GRCh38, 1-based): chr18:51,048,811, T>G. VCF-style: chr18-51048811-T-G. GRCh37 (hg19) VCF-style: chr18-48575181-T-G.
Other names: short protein forms S125R.
Identifiers: ClinVar variation 1478104 (VCV001478104.8), dbSNP rs863224401, ClinGen allele CA402458651.

ClinVar aggregate classification (germline): Uncertain significance (1 of 4 stars; one submission).

Conditions:
Juvenile polyposis syndrome (JPS). Identifiers: Orphanet 2929, MedGen C0345893, MONDO:0017380, OMIM 174900.

Submission:

Labcorp Genetics (formerly Invitae), Labcorp
Classification: Uncertain significance for Juvenile polyposis syndrome. Last evaluated: 2021-04-27. Review status: criteria provided, single submitter. Criteria: Invitae Variant Classification Sherloc (09022015). Collection method: clinical testing. Allele origin: germline.
Comment: In summary, the available evidence is currently insufficient to determine the role of this variant in disease. Therefore, it has been classified as a Variant of Uncertain Significance. Advanced modeling of protein sequence and biophysical properties (such as structural, functional, and spatial information, amino acid conservation, physicochemical variation, residue mobility, and thermodynamic stability) performed at Invitae indicates that this missense variant is not expected to disrupt SMAD4 protein function. This variant has not been reported in the literature in individuals with SMAD4-related conditions. This variant is not present in population databases (ExAC no frequency). This sequence change replaces serine with arginine at codon 125 of the SMAD4 protein (p.Ser125Arg). The serine residue is highly conserved and there is a moderate physicochemical difference between serine and arginine.